The following is an entry in ClinVar:

ClinVar aggregate classification (germline): Uncertain significance (1 of 4 stars; one submission).

Conditions:
Inborn genetic diseases. Identifiers: MedGen C0950123, MeSH D030342.

Submission:

Ambry Genetics
Classification: Uncertain significance for Inborn genetic diseases. Last evaluated: 2025-05-11. Review status: criteria provided, single submitter. Criteria: Ambry Variant Classification Scheme 2023. Collection method: clinical testing. Allele origin: germline.
Comment: The p.S1236F variant (also known as c.3707C>T), located in coding exon 25 of the ANKRD26 gene, results from a C to T substitution at nucleotide position 3707. The serine at codon 1236 is replaced by phenylalanine, an amino acid with highly dissimilar properties. This amino acid position is conserved. In addition, the in silico prediction for this alteration is inconclusive. Based on the available evidence, the clinical significance of this variant remains unclear.

NM_014915.3(ANKRD26):c.3707C>T (p.Ser1236Phe)

Gene: ANKRD26 (ankyrin repeat domain containing 26; minus strand). Cytogenetic location: 10p12.1.
Variant type: single nucleotide variant.
Coding change: c.3707C>T on transcript NM_014915.3 (MANE Select); coding-DNA position 3707, C replaced by T.
Protein change: p.Ser1236Phe; replaces serine 1236 with phenylalanine.
Molecular consequence: missense variant.
Genome position (GRCh38, 1-based): chr10:27,033,325, G>A on the plus strand (C>T on the coding strand, the complement: ANKRD26 is on the minus strand). VCF-style: chr10-27033325-G-A. GRCh37 (hg19) VCF-style: chr10-27322254-G-A.
Other names: c.3704C>T, p.Ser1235Phe (NM_001256053.2); short protein forms S1236F, S1235F.
Identifiers: ClinVar variation 3914362 (VCV003914362.1).
Genomic context (GRCh38, chr10:27,033,325, plus strand): 5'-GTCTCATCTTCTAAATTAATACGATAACGTGACGTAACCTCCAGTGAAGCCTCTGACATA[G>A]ATTGTTTTTTTAGGGTATCAGCTAGTTCTTGTTGAAGTTGTCTCACAACAACCTGATAAG-3'
Protein context (NP_055730.2, residues 1226-1246): QELADTLKKQ[Ser1236Phe]MSEASLEVTS